The following is an entry in ClinVar:

ClinVar aggregate classification (germline): Uncertain significance. Review status: criteria provided, multiple submitters, no conflicts (2 of 4 stars). 2 submissions from 2 submitters: Uncertain significance (2). Last evaluated 2022-09-28.

Conditions:
Inborn genetic diseases. Identifiers: MedGen C0950123, MeSH D030342.

Submissions (2):

Ambry Genetics
Classification: Uncertain significance for Inborn genetic diseases. Last evaluated: 2022-09-28. Review status: criteria provided, single submitter. Criteria: Ambry Variant Classification Scheme 2023. Collection method: clinical testing. Allele origin: germline.

Labcorp Genetics (formerly Invitae), Labcorp
Classification: Uncertain significance. Last evaluated: 2021-11-10. Review status: criteria provided, single submitter. Criteria: Invitae Variant Classification Sherloc (09022015). Collection method: clinical testing. Allele origin: germline.
Comment: Algorithms developed to predict the effect of missense changes on protein structure and function are either unavailable or do not agree on the potential impact of this missense change (SIFT: "Tolerated"; PolyPhen-2: "Probably Damaging"; Align-GVGD: "Class C0"). In summary, the available evidence is currently insufficient to determine the role of this variant in disease. Therefore, it has been classified as a Variant of Uncertain Significance. Algorithms developed to predict the effect of sequence changes on RNA splicing suggest that this variant may create or strengthen a splice site. This variant has not been reported in the literature in individuals affected with HMX1-related conditions. This variant is not present in population databases (gnomAD no frequency). This sequence change replaces proline, which is neutral and non-polar, with glutamine, which is neutral and polar, at codon 332 of the HMX1 protein (p.Pro332Gln).

NM_018942.3(HMX1):c.995C>A (p.Pro332Gln)

Gene: HMX1 (H6 family homeobox 1; minus strand). Cytogenetic location: 4p16.1.
Variant type: single nucleotide variant.
Coding change: c.995C>A on transcript NM_018942.3 (MANE Select); coding-DNA position 995, C replaced by A.
Protein change: p.Pro332Gln; replaces proline 332 with glutamine.
Molecular consequence: missense variant. On other transcripts: intron variant (1).
Genome position (GRCh38, 1-based): chr4:8,867,745, G>T on the plus strand (C>A on the coding strand, the complement: HMX1 is on the minus strand). VCF-style: chr4-8867745-G-T. GRCh37 (hg19) VCF-style: chr4-8869471-G-T.
Other names: c.394+3476C>A (NM_001306142.2); c.995C>A (NM_018942.2); short protein forms P332Q.
Identifiers: ClinVar variation 1353671 (VCV001353671.6), dbSNP rs1722054113, ClinGen allele CA356277269.